The following is an entry in ClinVar:

NM_004385.5(VCAN):c.5000C>G (p.Thr1667Arg)

Genes: VCAN (versican; plus strand), VCAN-AS1 (VCAN antisense RNA 1; minus strand). Cytogenetic location: 5q14.3.
Variant type: single nucleotide variant.
Coding change: c.5000C>G on transcript NM_004385.5 (MANE Select); coding-DNA position 5000, C replaced by G.
Protein change: p.Thr1667Arg; replaces threonine 1667 with arginine.
Molecular consequence: missense variant. On other transcripts: intron variant (2).
Genome position (GRCh38, 1-based): chr5:83,538,003, C>G. VCF-style: chr5-83538003-C-G. GRCh37 (hg19) VCF-style: chr5-82833822-C-G.
Other names: c.2039C>G, p.Thr680Arg (NM_001164097.2); c.4004-7534C>G (NM_001164098.2); c.1043-7534C>G (NM_001126336.3); short protein forms T1667R, T680R.
Identifiers: ClinVar variation 3605562 (VCV003605562.2).

ClinVar aggregate classification (germline): Uncertain significance (1 of 4 stars; one submission).

gnomAD v4.1: 3 of 1,613,830 alleles (0.00019%); highest among the groups gnomAD compares: Admixed American, 0.0033%; no homozygotes.

Submission:

Labcorp Genetics (formerly Invitae), Labcorp
Classification: Uncertain significance. Last evaluated: 2024-07-15. Review status: criteria provided, single submitter. Criteria: Invitae Variant Classification Sherloc (09022015). Collection method: clinical testing. Allele origin: germline.
Comment: This sequence change replaces threonine, which is neutral and polar, with arginine, which is basic and polar, at codon 1667 of the VCAN protein (p.Thr1667Arg). This variant is not present in population databases (gnomAD no frequency). This variant has not been reported in the literature in individuals affected with VCAN-related conditions. An algorithm developed to predict the effect of missense changes on protein structure and function (PolyPhen-2) suggests that this variant is likely to be tolerated. In summary, the available evidence is currently insufficient to determine the role of this variant in disease. Therefore, it has been classified as a Variant of Uncertain Significance.